The following is an entry in ClinVar:

ClinVar aggregate classification (germline): Likely benign (1 of 4 stars; one submission).

Conditions:
MC4R-related disorder. Also called: MC4R-related condition.

gnomAD v4.1: 2 of 596,376 alleles (0.00034%); highest among the groups gnomAD compares: Non-Finnish European, 0.00061%; no homozygotes.

Submission:

PreventionGenetics, part of Exact Sciences
Classification: Likely benign for MC4R-related condition. Last evaluated: 2026-04-28. Review status: criteria provided, single submitter. Criteria: ACMG Guidelines, 2015. Collection method: clinical testing. Allele origin: germline.
Comment: This variant is classified as likely benign based on ACMG/AMP sequence variant interpretation guidelines (Richards et al. 2015 PMID: 25741868, with internal and published modifications).

NM_005912.3(MC4R):c.-225A>G

Gene: MC4R (melanocortin 4 receptor; minus strand). Cytogenetic location: 18q21.32.
Variant type: single nucleotide variant.
Coding change: c.-225A>G on transcript NM_005912.3 (MANE Select); 225 bases upstream of the start codon, A replaced by G.
Molecular consequence: 5 prime UTR variant.
Genome position (GRCh38, 1-based): chr18:60,372,574, T>C on the plus strand (A>G on the coding strand, the complement: MC4R is on the minus strand). VCF-style: chr18-60372574-T-C. GRCh37 (hg19) VCF-style: chr18-58039807-T-C.
Identifiers: ClinVar variation 5002531 (VCV005002531.1).